The following is an entry in ClinVar:

ClinVar aggregate classification (germline): Uncertain significance. Review status: criteria provided, multiple submitters, no conflicts (2 of 4 stars). 3 submissions from 3 submitters: Uncertain significance (3). Last evaluated 2025-07-14.

Conditions:
Primary ciliary dyskinesia. Also called: Ciliary dyskinesia. Identifiers: Orphanet 244, MedGen C0008780, MONDO:0016575, HP:0012265.
Primary ciliary dyskinesia 23 (CILD23). Also called: CILIARY DYSKINESIA, PRIMARY, 23, WITH OR WITHOUT SITUS INVERSUS. Identifiers: Orphanet 244, MedGen C3809548, MONDO:0014193, OMIM 615451.

Allele frequency attached by ClinVar (database versions not stated): ESP Exome Variant Server 0.00008; TOPMed 0.00008.
gnomAD v4.1: 222 of 1,612,940 alleles (0.014%); highest among the groups gnomAD compares: Non-Finnish European, 0.017%; no homozygotes.

Submissions (3):

Ambry Genetics
Classification: Uncertain significance for Primary ciliary dyskinesia. Last evaluated: 2025-07-14. Review status: criteria provided, single submitter. Criteria: Ambry Variant Classification Scheme 2023. Collection method: clinical testing. Allele origin: germline.

Labcorp Genetics (formerly Invitae), Labcorp
Classification: Uncertain significance for Primary ciliary dyskinesia 23. Last evaluated: 2023-11-25. Review status: criteria provided, single submitter. Criteria: Invitae Variant Classification Sherloc (09022015). Collection method: clinical testing. Allele origin: germline.
Comment: This sequence change replaces arginine, which is basic and polar, with histidine, which is basic and polar, at codon 1032 of the ARMC4 protein (p.Arg1032His). This variant is present in population databases (rs375622560, gnomAD 0.007%). This missense change has been observed in individual(s) with clinical features of ARMC4-related conditions (Invitae). ClinVar contains an entry for this variant (Variation ID: 945163). An algorithm developed to predict the effect of missense changes on protein structure and function (PolyPhen-2) suggests that this variant is likely to be disruptive. In summary, the available evidence is currently insufficient to determine the role of this variant in disease. Therefore, it has been classified as a Variant of Uncertain Significance.

Breakthrough Genomics
Classification: Uncertain significance. Review status: criteria provided, single submitter. Criteria: ACMG Guidelines, 2015. Collection method: not provided. Allele origin: germline. Inheritance: Autosomal recessive inheritance. Affected: yes.

NM_018076.5(ODAD2):c.3095G>A (p.Arg1032His)

Genes: ODAD2 (outer dynein arm docking complex subunit 2; minus strand), LOC132089773 (Neanderthal introgressed variant-containing enhancer experimental_12116; plus strand). Cytogenetic location: 10p12.1.
Variant type: single nucleotide variant.
Coding change: c.3095G>A on transcript NM_018076.5 (MANE Select); coding-DNA position 3095, G replaced by A.
Protein change: p.Arg1032His; replaces arginine 1032 with histidine.
Molecular consequence: missense variant.
Genome position (GRCh38, 1-based): chr10:27,812,552, C>T on the plus strand (G>A on the coding strand, the complement: ODAD2 is on the minus strand). VCF-style: chr10-27812552-C-T. GRCh37 (hg19) VCF-style: chr10-28101481-C-T.
Other names: c.3095G>A, p.Arg1032His (NM_001290020.2); c.1792G>A, p.Ala598Thr (NM_001290021.2); c.2171G>A, p.Arg724His (NM_001312689.2); short protein forms A598T, R1032H, R724H.
Identifiers: ClinVar variation 945163 (VCV000945163.12), dbSNP rs375622560, ClinGen allele CA5452984.